The following is an entry in ClinVar:

NM_020631.4(PLEKHG5):c.*697C>T

Gene: PLEKHG5 (pleckstrin homology and RhoGEF domain containing G5; minus strand). Cytogenetic location: 1p36.31.
Variant type: single nucleotide variant.
Coding change: c.*697C>T on transcript NM_020631.4; 697 bases downstream of the stop codon, C replaced by T.
Genome position (GRCh38, 1-based): chr1:6,466,866, G>A on the plus strand (C>T on the coding strand, the complement: PLEKHG5 is on the minus strand). VCF-style: chr1-6466866-G-A. GRCh37 (hg19) VCF-style: chr1-6526926-G-A.
Other names: c.*697C>T (NM_020631.3).
Identifiers: ClinVar variation 297925 (VCV000297925.8), dbSNP rs3176900, ClinGen allele CA10611363.
Genomic context (GRCh38, chr1:6,466,866, plus strand): 5'-AAAAAAAGTTCCTGAAGGGACCCCCATGGAGGACCCACCTTCCCAAGAGGGCTGGCCTGA[G>A]TGTGGGAACTGGGCAGATTCAGCCCTGAATCCCCGGGGGGCACCTGGGGAGAGGCTCTGA-3'

ClinVar aggregate classification (germline): Benign. Review status: criteria provided, multiple submitters, no conflicts (2 of 4 stars). 2 submissions from 2 submitters: Benign (2). Last evaluated 2018-01-13.

Conditions:
Neuronopathy, distal hereditary motor, autosomal recessive 4. Also called: Autosomal recessive lower motor neuron disease with childhood onset; NEUROPATHY, DISTAL HEREDITARY MOTOR, AUTOSOMAL RECESSIVE 4. Identifiers: Orphanet 206580, MedGen C1970211, MONDO:0012608, OMIM 611067.

Allele frequency attached by ClinVar (database versions not stated): 1000 Genomes Project 30x 0.04357; gnomAD exomes 0.04253; 1000 Genomes Project 0.04573; TOPMed 0.04910.

Submissions (2):

Illumina Laboratory Services, Illumina
Classification: Benign for Neuronopathy, distal hereditary motor, autosomal recessive 4. Last evaluated: 2018-01-13. Review status: criteria provided, single submitter. Criteria: ICSL Variant Classification Criteria 13 December 2019. Collection method: clinical testing. Allele origin: germline.
Comment: This variant was observed in the ICSL laboratory as part of a predisposition screen in an ostensibly healthy population. It had not been previously curated by ICSL or reported in the Human Gene Mutation Database (HGMD: prior to June 1st, 2018), and was therefore a candidate for classification through an automated scoring system. Utilizing variant allele frequency, disease prevalence and penetrance estimates, and inheritance mode, an automated score was calculated to assess if this variant is too frequent to cause the disease. Based on the score and internal cut-off values, a variant classified as benign is not then subjected to further curation. The score for this variant resulted in a classification of benign for this disease.

Breakthrough Genomics
Classification: Benign. Review status: criteria provided, single submitter. Criteria: ACMG Guidelines, 2015. Collection method: not provided. Allele origin: germline. Inheritance: Autosomal recessive inheritance. Affected: yes.